The following is an entry in ClinVar:

NM_003742.4(ABCB11):c.150+2T>C

Gene: ABCB11 (ATP binding cassette subfamily B member 11; minus strand). Cytogenetic location: 2q31.1.
Variant type: single nucleotide variant.
Coding change: c.150+2T>C on transcript NM_003742.4 (MANE Select); the canonical splice donor site of the intron after coding-DNA position 150, T replaced by C.
Molecular consequence: splice donor variant.
Genome position (GRCh38, 1-based): chr2:169,014,301, A>G on the plus strand (T>C on the coding strand, the complement: ABCB11 is on the minus strand). VCF-style: chr2-169014301-A-G. GRCh37 (hg19) VCF-style: chr2-169870811-A-G.
Identifiers: ClinVar variation 1345274 (VCV001345274.9), dbSNP rs1210590064, ClinGen allele CA349106095.
Genomic context (GRCh38, chr2:169,014,301, plus strand): 5'-CTCATGATCTAAACAATTTATAGCTGCACACCCACTGCCATAAATCAACACAGTTTTATT[A>G]CCAATTGAAAGAAGCCAACTCTAACGCCATCACCTTTCTTCTCATCTTGTAACCTGATGA-3'

ClinVar aggregate classification (germline): Pathogenic/Likely pathogenic. Review status: criteria provided, multiple submitters, no conflicts (2 of 4 stars). 2 submissions from 2 submitters: Pathogenic (1); Likely pathogenic (1). Last evaluated 2025-02-04.

Conditions:
Progressive familial intrahepatic cholestasis type 2. Identifiers: Orphanet 79304, MedGen C3489789, MONDO:0011156, OMIM 601847.

Allele frequency attached by ClinVar (database versions not stated): gnomAD exomes below 0.00001; TOPMed below 0.00001.
gnomAD v4.1: 2 of 1,612,638 alleles (0.00012%); highest among the groups gnomAD compares: Non-Finnish European, 0.000085%; no homozygotes.

Submissions (2):

Broad Center for Mendelian Genomics, Broad Institute of MIT and Harvard
Classification: Pathogenic for Progressive familial intrahepatic cholestasis type 2. Last evaluated: 2025-02-04. Review status: criteria provided, single submitter. Criteria: ACMG Guidelines, 2015. Collection method: curation. Allele origin: germline. Inheritance: Autosomal recessive inheritance.
Comment: The c.150+2T>C variant in ABCB11 has not been previously reported in the literature in individuals with BSEP deficiency, but has been identified in 0.003% (1/29580) of Ashkenazi Jewish chromosomes by the Genome Aggregation Database (gnomAD; dbSNP rs1210590064). Although this variant has been seen in the general population in a heterozygous state, its frequency is low enough to be consistent with a recessive carrier frequency. This variant has also been reported in ClinVar (Variation ID: 1345274) and has been interpreted as likely pathogenic by Invitae. This variant is located in the 3' splice region. Computational tools predict a splicing impact, though this information is not predictive enough to determine pathogenicity. Loss of function of the ABCB11 gene is an established disease mechanism in autosomal recessive BSEP deficiency. One additional likely pathogenic variant, predicted to induce the same splicing effect as this variant, has been reported in ClinVar as being associated with BSEP deficiency supporting that the c.150+2T>C may be pathogenic (Variation ID: 6593). In summary, this variant meets criteria to be classified as pathogenic for autosomal recessive BSEP deficiency. ACMG/AMP Criteria applied: PVS1, PM2_supporting, PS1_supporting (Richards 2015).

Labcorp Genetics (formerly Invitae), Labcorp
Classification: Likely pathogenic. Last evaluated: 2021-06-13. Review status: criteria provided, single submitter. Criteria: Invitae Variant Classification Sherloc (09022015). Collection method: clinical testing. Allele origin: germline.
Comment: This sequence change affects a donor splice site in intron 4 of the ABCB11 gene. It is expected to disrupt RNA splicing. Variants that disrupt the donor or acceptor splice site typically lead to a loss of protein function (PMID: 16199547), and loss-of-function variants in ABCB11 are known to be pathogenic (PMID: 18395098, 20232290). In summary, the currently available evidence indicates that the variant is pathogenic, but additional data are needed to prove that conclusively. Therefore, this variant has been classified as Likely Pathogenic. Algorithms developed to predict the effect of sequence changes on RNA splicing suggest that this variant may disrupt the consensus splice site, but this prediction has not been confirmed by published transcriptional studies. This variant has not been reported in the literature in individuals with ABCB11-related conditions. This variant is not present in population databases (ExAC no frequency).

Literature cited by the submitters: PubMed 16199547 (cited by Labcorp Genetics (formerly Invitae), Labcorp); PubMed 18395098 (cited by Labcorp Genetics (formerly Invitae), Labcorp); PubMed 20232290 (cited by Labcorp Genetics (formerly Invitae), Labcorp).